The following is an entry in ClinVar:

ClinVar aggregate classification (germline): Uncertain significance. Review status: criteria provided, multiple submitters, no conflicts (2 of 4 stars). 3 submissions from 3 submitters: Uncertain significance (3). Last evaluated 2025-04-12.

Conditions:
Inborn genetic diseases. Identifiers: MedGen C0950123, MeSH D030342.
Joubert syndrome 15 (JBTS15). Identifiers: Orphanet 475, MedGen C3280897, MONDO:0013763, OMIM 614464.

Allele frequency attached by ClinVar (database versions not stated): gnomAD exomes below 0.00001; ExAC 0.00001; gnomAD 0.00001; TOPMed 0.00001.
gnomAD v4.1: 7 of 1,614,110 alleles (0.00043%); highest among the groups gnomAD compares: East Asian, 0.0045%; no homozygotes.

Submissions (3):

Ambry Genetics
Classification: Uncertain significance for Inborn genetic diseases. Last evaluated: 2025-04-12. Review status: criteria provided, single submitter. Criteria: Ambry Variant Classification Scheme 2023. Collection method: clinical testing. Allele origin: germline.

Labcorp Genetics (formerly Invitae), Labcorp
Classification: Uncertain significance for Joubert syndrome 15. Last evaluated: 2023-11-27. Review status: criteria provided, single submitter. Criteria: Invitae Variant Classification Sherloc (09022015). Collection method: clinical testing. Allele origin: germline.
Comment: This sequence change replaces alanine, which is neutral and non-polar, with valine, which is neutral and non-polar, at codon 354 of the CEP41 protein (p.Ala354Val). This variant is present in population databases (rs781832103, gnomAD 0.006%). This variant has not been reported in the literature in individuals affected with CEP41-related conditions. ClinVar contains an entry for this variant (Variation ID: 1507290). Algorithms developed to predict the effect of missense changes on protein structure and function output the following: SIFT: "Not Available"; PolyPhen-2: "Benign"; Align-GVGD: "Not Available". The valine amino acid residue is found in multiple mammalian species, which suggests that this missense change does not adversely affect protein function. In summary, the available evidence is currently insufficient to determine the role of this variant in disease. Therefore, it has been classified as a Variant of Uncertain Significance.

Department of Pathology and Laboratory Medicine, Sinai Health System
Classification: Uncertain significance for Joubert syndrome 15. Last evaluated: 2023-10-30. Review status: criteria provided, single submitter. Criteria: ACMG Guidelines, 2015. Collection method: research. Allele origin: germline.

NM_018718.3(CEP41):c.1061C>T (p.Ala354Val)

Gene: CEP41 (centrosomal protein 41; minus strand). Cytogenetic location: 7q32.2.
Variant type: single nucleotide variant.
Coding change: c.1061C>T on transcript NM_018718.3 (MANE Select); coding-DNA position 1061, C replaced by T.
Protein change: p.Ala354Val; replaces alanine 354 with valine.
Molecular consequence: missense variant. On other transcripts: non-coding transcript variant (1).
Genome position (GRCh38, 1-based): chr7:130,398,952, G>A on the plus strand (C>T on the coding strand, the complement: CEP41 is on the minus strand). VCF-style: chr7-130398952-G-A. GRCh37 (hg19) VCF-style: chr7-130038793-G-A.
Other names: c.845C>T, p.Ala282Val (NM_001257158.2); c.797C>T, p.Ala266Val (NM_001257159.2); c.1061C>T (NM_018718.1); short protein forms A282V, A354V, A266V.
Identifiers: ClinVar variation 1507290 (VCV001507290.9), dbSNP rs781832103, ClinGen allele CA4485391.